The following is an entry in ClinVar:

ClinVar aggregate classification (germline): Uncertain significance (1 of 4 stars; one submission).

Conditions:
Inborn genetic diseases. Identifiers: MedGen C0950123, MeSH D030342.

Submission:

Ambry Genetics
Classification: Uncertain significance for Inborn genetic diseases. Last evaluated: 2025-04-12. Review status: criteria provided, single submitter. Criteria: Ambry Variant Classification Scheme 2023. Collection method: clinical testing. Allele origin: germline.
Comment: The p.P460T variant (also known as c.1378C>A), located in coding exon 13 of the ANKRD26 gene, results from a C to A substitution at nucleotide position 1378. The proline at codon 460 is replaced by threonine, an amino acid with highly similar properties. This amino acid position is conserved. In addition, this alteration is predicted to be tolerated by in silico analysis. Based on the available evidence, the clinical significance of this variant remains unclear.

NM_014915.3(ANKRD26):c.1378C>A (p.Pro460Thr)

Gene: ANKRD26 (ankyrin repeat domain containing 26; minus strand). Cytogenetic location: 10p12.1.
Variant type: single nucleotide variant.
Coding change: c.1378C>A on transcript NM_014915.3 (MANE Select); coding-DNA position 1378, C replaced by A.
Protein change: p.Pro460Thr; replaces proline 460 with threonine.
Molecular consequence: missense variant.
Genome position (GRCh38, 1-based): chr10:27,061,228, G>T on the plus strand (C>A on the coding strand, the complement: ANKRD26 is on the minus strand). VCF-style: chr10-27061228-G-T. GRCh37 (hg19) VCF-style: chr10-27350157-G-T.
Other names: c.1378C>A, p.Pro460Thr (NM_001256053.2); short protein forms P460T.
Identifiers: ClinVar variation 3913697 (VCV003913697.1).